The following is an entry in ClinVar:

ClinVar aggregate classification (germline): Uncertain significance. Review status: criteria provided, multiple submitters, no conflicts (2 of 4 stars). 2 submissions from 2 submitters: Uncertain significance (2). Last evaluated 2025-03-26.

Conditions:
Familial cold autoinflammatory syndrome 4 (FCAS4). Identifiers: Orphanet 47045, Orphanet 576349, MedGen C4015276, MONDO:0014498, OMIM 616115.
Periodic fever-infantile enterocolitis-autoinflammatory syndrome. Also called: Autoinflammation with infantile enterocolitis. Identifiers: Orphanet 436166, MedGen C4015067, MONDO:0014472, OMIM 616050.

Allele frequency attached by ClinVar (database versions not stated): gnomAD exomes below 0.00001 and 0.00004; gnomAD 0.00001; ExAC 0.00001.
gnomAD v4.1: 55 of 1,608,090 alleles (0.0034%); highest among the groups gnomAD compares: Non-Finnish European, 0.0046%; no homozygotes.

Submissions (2):

Labcorp Genetics (formerly Invitae), Labcorp
Classification: Uncertain significance for Periodic fever-infantile enterocolitis-autoinflammatory syndrome; Familial cold autoinflammatory syndrome 4. Last evaluated: 2025-03-26. Review status: criteria provided, single submitter. Criteria: Invitae Variant Classification Sherloc (09022015). Collection method: clinical testing. Allele origin: germline.
Comment: This sequence change replaces aspartic acid, which is acidic and polar, with glycine, which is neutral and non-polar, at codon 99 of the NLRC4 protein (p.Asp99Gly). This variant is present in population databases (rs775273312, gnomAD 0.0009%). This variant has not been reported in the literature in individuals affected with NLRC4-related conditions. ClinVar contains an entry for this variant (Variation ID: 1387331). Invitae Evidence Modeling of protein sequence and biophysical properties (such as structural, functional, and spatial information, amino acid conservation, physicochemical variation, residue mobility, and thermodynamic stability) indicates that this missense variant is expected to disrupt NLRC4 protein function with a positive predictive value of 80%. In summary, the available evidence is currently insufficient to determine the role of this variant in disease. Therefore, it has been classified as a Variant of Uncertain Significance.

Blueprint Genetics
Classification: Uncertain significance. Last evaluated: 2024-11-14. Review status: criteria provided, single submitter. Criteria: ACMG Guidelines, 2015. Collection method: clinical testing. Allele origin: germline.

NM_001199138.2(NLRC4):c.296A>G (p.Asp99Gly)

Gene: NLRC4 (NLR family CARD domain containing 4; minus strand). Cytogenetic location: 2p22.3.
Variant type: single nucleotide variant.
Coding change: c.296A>G on transcript NM_001199138.2 (MANE Select); coding-DNA position 296, A replaced by G.
Protein change: p.Asp99Gly; replaces aspartic acid 99 with glycine.
Molecular consequence: missense variant. On other transcripts: intron variant (1).
Genome position (GRCh38, 1-based): chr2:32,251,568, T>C on the plus strand (A>G on the coding strand, the complement: NLRC4 is on the minus strand). VCF-style: chr2-32251568-T-C. GRCh37 (hg19) VCF-style: chr2-32476637-T-C.
Other names: c.296A>G, p.Asp99Gly (NM_001199139.2, NM_021209.5); c.262+851A>G (NM_001302504.1); short protein forms D99G.
Identifiers: ClinVar variation 1387331 (VCV001387331.10), dbSNP rs775273312, ClinGen allele CA1602164.